The following is an entry in ClinVar:

NM_014055.4(IFT81):c.1083A>G (p.Glu361=)

Gene: IFT81 (intraflagellar transport 81; plus strand). Cytogenetic location: 12q24.11.
Variant type: single nucleotide variant.
Coding change: c.1083A>G on transcript NM_014055.4 (MANE Select); coding-DNA position 1083, A replaced by G.
Protein change: p.Glu361=; no amino-acid change (glutamic acid 361 retained).
Molecular consequence: synonymous variant. On other transcripts: non-coding transcript variant (4).
Genome position (GRCh38, 1-based): chr12:110,162,960, A>G. VCF-style: chr12-110162960-A-G. GRCh37 (hg19) VCF-style: chr12-110600765-A-G.
Other names: c.1083A>G (NM_014055.3); c.1083A>G, p.Glu361= (NM_031473.4, NM_001143779.2, NM_001347946.2); c.153A>G, p.Glu51= (NM_001347947.2, NM_001347948.2).
Identifiers: ClinVar variation 4812054 (VCV004812054.2).
Genomic context (GRCh38, chr12:110,162,960, plus strand): 5'-ATATTTAATGCTCAATCAGGCATCTATCATTTCCCGTAAAAAAGAAGCCAAAGCTGAGGA[A>G]CTTCAGGAGGCCAAGGAGAAGTTAGCCAGCCTAGAGAGAGAAGCATCAGTAAAGAGAAAT-3'
Protein context (NP_054774.2, residues 351-371): ISRKKEAKAE[Glu361=]LQEAKEKLAS

ClinVar aggregate classification (germline): Likely benign. Review status: criteria provided, multiple submitters, no conflicts (2 of 4 stars). 2 submissions from 2 submitters: Likely benign (2). Last evaluated 2026-05-28.

Conditions:
IFT81-related disorder. Also called: IFT81-related condition.

gnomAD v4.1: 2 of 1,613,924 alleles (0.00012%); highest among the groups gnomAD compares: Non-Finnish European, 0.00017%; no homozygotes.

Submissions (2):

PreventionGenetics, part of Exact Sciences
Classification: Likely benign for IFT81-related condition. Last evaluated: 2026-05-28. Review status: criteria provided, single submitter. Criteria: ACMG Guidelines, 2015. Collection method: clinical testing. Allele origin: germline.
Comment: This variant is classified as likely benign based on ACMG/AMP sequence variant interpretation guidelines (Richards et al. 2015 PMID: 25741868, with internal and published modifications).

Labcorp Genetics (formerly Invitae), Labcorp
Classification: Likely benign. Last evaluated: 2025-04-17. Review status: criteria provided, single submitter. Criteria: Invitae Variant Classification Sherloc (09022015). Collection method: clinical testing. Allele origin: germline.